The following is an entry in ClinVar:

ClinVar aggregate classification (germline): Benign/Likely benign. Review status: criteria provided, multiple submitters, no conflicts (2 of 4 stars). 3 submissions from 3 submitters: Benign (1); Likely benign (2). Last evaluated 2025-02-03.

Conditions:
Hereditary nonpolyposis colorectal neoplasms. Identifiers: MedGen C0009405, MeSH D003123.
Lynch syndrome 4 (LYNCH4). Also called: Colorectal cancer, hereditary nonpolyposis, type 4; Hereditary non-polyposis colorectal cancer, type 4. Identifiers: Orphanet 144, MedGen C1838333, MONDO:0013699, OMIM 614337. Disease mechanism: loss of function.
Hereditary cancer-predisposing syndrome. Also called: Hereditary neoplastic syndrome; Neoplastic Syndromes, Hereditary; Hereditary Cancer Syndrome; Tumor predisposition. Identifiers: Orphanet 140162, MedGen C0027672, MeSH D009386, MONDO:0015356.

Submissions (3):

Myriad Genetics, Inc.
Classification: Benign for Lynch syndrome 4. Last evaluated: 2025-02-03. Review status: criteria provided, single submitter. Criteria: Myriad Autosomal Dominant, Autosomal Recessive and X-Linked Classification Criteria (2023). Collection method: clinical testing. Allele origin: unknown.
Comment: This variant is considered benign. This variant is a silent/synonymous amino acid change and it is not expected to impact splicing.

Ambry Genetics
Classification: Likely benign for Hereditary cancer-predisposing syndrome. Last evaluated: 2023-06-05. Review status: criteria provided, single submitter. Criteria: Ambry Variant Classification Scheme 2023. Collection method: clinical testing. Allele origin: germline.

Labcorp Genetics (formerly Invitae), Labcorp
Classification: Likely benign for Hereditary nonpolyposis colorectal neoplasms. Last evaluated: 2021-05-20. Review status: criteria provided, single submitter. Criteria: Invitae Variant Classification Sherloc (09022015). Collection method: clinical testing. Allele origin: germline.

NM_000535.7(PMS2):c.2097C>T (p.Asp699=)

Gene: PMS2 (PMS1 homolog 2, mismatch repair system component; minus strand). Cytogenetic location: 7p22.1.
Variant type: single nucleotide variant.
Coding change: c.2097C>T on transcript NM_000535.7 (MANE Select); coding-DNA position 2097, C replaced by T.
Protein change: p.Asp699=; no amino-acid change (aspartic acid 699 retained).
Molecular consequence: synonymous variant. On other transcripts: non-coding transcript variant (1).
Genome position (GRCh38, 1-based): chr7:5,982,901, G>A on the plus strand (C>T on the coding strand, the complement: PMS2 is on the minus strand). VCF-style: chr7-5982901-G-A. GRCh37 (hg19) VCF-style: chr7-6022532-G-A.
Other names: c.1692C>T, p.Asp564= (NM_001322003.2, NM_001322004.2, NM_001322005.2 and 1 more transcripts); c.1941C>T, p.Asp647= (NM_001322006.2); c.1779C>T, p.Asp593= (NM_001322007.2, NM_001322008.2); c.1536C>T, p.Asp512= (NM_001322010.2); c.1164C>T, p.Asp388= (NM_001322011.2, NM_001322012.2); c.1524C>T, p.Asp508= (NM_001322013.2); c.2097C>T, p.Asp699= (NM_001322014.2); c.1788C>T, p.Asp596= (NM_001322015.2); and 1 more.
Identifiers: ClinVar variation 1557952 (VCV001557952.10), dbSNP rs1064793501, ClinGen allele CA453643292.